The following is an entry in ClinVar:

ClinVar aggregate classification (germline): Pathogenic. Review status: reviewed by expert panel (3 of 4 stars). 2 submissions from 2 submitters: Pathogenic (1). 1 of the submissions does not count toward it. Last evaluated 2016-10-18.

Conditions:
Breast-ovarian cancer, familial, susceptibility to, 2 (BROVCA2). Also called: BRCA2 Hereditary Breast and Ovarian Cancer. Identifiers: Orphanet 145, MedGen C2675520, MONDO:0012933, OMIM 612555. Disease mechanism: loss of function.

Submissions (2):

Evidence-based Network for the Interpretation of Germline Mutant Alleles (ENIGMA)
Classification: Pathogenic for Breast-ovarian cancer, familial, susceptibility to, 2. Last evaluated: 2016-10-18. Review status: reviewed by expert panel. Criteria: ENIGMA BRCA1/2 Classification Criteria (2015). Collection method: curation. Allele origin: germline.
Comment: Variant allele predicted to encode a truncated non-functional protein.

Consortium of Investigators of Modifiers of BRCA1/2 (CIMBA), c/o University of Cambridge
Classification: Pathogenic for Breast-ovarian cancer, familial, susceptibility to, 2. Last evaluated: 2015-10-02. Review status: criteria provided, single submitter. Criteria: CIMBA Mutation Classification guidelines May 2016. Collection method: clinical testing. Allele origin: germline. Not counted in ClinVar's aggregate classification.

NM_000059.4(BRCA2):c.7558del (p.Arg2520fs)

Gene: BRCA2 (BRCA2 DNA repair associated; plus strand). Cytogenetic location: 13q13.1.
Variant type: Deletion.
Coding change: c.7558del on transcript NM_000059.4 (MANE Select); coding-DNA position 7558, one base deleted (C; older notation c.7558delC).
Protein change: p.Arg2520fs; shifts the reading frame from arginine 2520.
Molecular consequence: frameshift variant.
Genome position (GRCh38, 1-based): chr13:32,356,550, C deleted. VCF-style (leftmost placement, unchanged base first): chr13-32356549-TC-T. GRCh37 (hg19) VCF-style: chr13-32930686-TC-T.
Other names: 7786delC; short protein forms R2520fs.
Identifiers: ClinVar variation 267020 (VCV000267020.5), dbSNP rs886040716, ClinGen allele CA10589437.
Genomic context (GRCh38, chr13:32,356,549, plus strand): 5'-AAGGCAACGCGTCTTTCCACAGCCAGGCAGTCTGTATCTTGCAAAAACATCCACTCTGCC[TC>T]GAATCTCTCTGAAAGCAGCAGTAGGAGGCCAAGTTCCCTCTGCGTGTTCTCATAAACAGG-3'